The following is an entry in ClinVar:

NM_001128178.3(NPHP1):c.1415_1427del (p.Pro471_Ser472insTer)

Gene: NPHP1 (nephrocystin 1; minus strand). Cytogenetic location: 2q13.
Variant type: Deletion.
Coding change: c.1415_1427del on transcript NM_001128178.3 (MANE Select); coding-DNA positions 1415 to 1427, 13 bases deleted (CAATATCCAGAAG).
Protein change: p.Pro471_Ser472insTer.
Molecular consequence: nonsense.
Genome position (GRCh38, 1-based): chr2:110,144,495-110,144,507, CTTCTGGATATTG deleted on the plus strand (CAATATCCAGAAG on the coding strand, the reverse complement: NPHP1 is on the minus strand). VCF-style (leftmost placement, unchanged base first): chr2-110144494-TCTTCTGGATATTG-T. GRCh37 (hg19) VCF-style: chr2-110902071-TCTTCTGGATATTG-T.
Other names: c.1583_1595del (NM_000272.4); c.1583_1595del, p.Pro527_Ser528insTer (NM_000272.5); c.1226_1238del, p.Pro408_Ser409insTer (NM_001128179.3); c.1412_1424del, p.Pro470_Ser471insTer (NM_001374256.1); c.1415_1427del, p.Pro471_Ser472insTer (NM_001374257.1); c.1580_1592del, p.Pro526_Ser527insTer (NM_207181.4).
Identifiers: ClinVar variation 3584244 (VCV003584244.3).
Genomic context (GRCh38, chr2:110,144,494, plus strand): 5'-TCAGATGCTTCTATTTGTTTAATCTTTAAGGAAAGGAAGACAACACATGAGAGCCATACC[TCTTCTGGATATTG>T]AAGGGTCCACTTCAATACCTTTTTCATAAGGAGTACCACCATTCAAGAAAAGCTCATAAG-3'

ClinVar aggregate classification (germline): Likely pathogenic. Review status: criteria provided, multiple submitters, no conflicts (2 of 4 stars). 2 submissions from 2 submitters: Likely pathogenic (2). Last evaluated 2024-05-09.

Conditions:
Joubert syndrome with renal defect. Also called: JOUBERT SYNDROME 4. Identifiers: Orphanet 220497, MedGen C1846790, MONDO:0012308, OMIM 609583.
Nephronophthisis 1 (NPHP1). Also called: Nephronophthisis familial juvenile. Identifiers: Orphanet 655, Orphanet 93592, MedGen C1855681, MONDO:0009728, OMIM 256100.
Senior-Loken syndrome 1 (SLSN1). Also called: JUVENILE NEPHRONOPHTHISIS WITH LEBER AMAUROSIS. Identifiers: Orphanet 3156, MedGen C4551559, MONDO:0009962, OMIM 266900.

Submissions (2):

Fulgent Genetics
Classification: Likely pathogenic for Nephronophthisis 1; Senior-Loken syndrome 1; Joubert syndrome with renal defect. Last evaluated: 2024-05-09. Review status: criteria provided, single submitter. Criteria: ACMG Guidelines, 2015. Collection method: clinical testing. Allele origin: germline.

Juno Genomics, Hangzhou Juno Genomics, Inc
Classification: Likely pathogenic for Joubert syndrome with renal defect; Nephronophthisis 1; Senior-Loken syndrome 1. Review status: criteria provided, single submitter. Criteria: ACMG Guidelines, 2015. Collection method: clinical testing. Allele origin: germline.
Comment: Null variant in a gene where loss of function (LOF) is a known mechanism of disease.;Absent from controls (or at extremely low frequency if recessive) in Genome Aggregation Database.